The following is an entry in ClinVar:

ClinVar aggregate classification (germline): Likely pathogenic (1 of 4 stars; one submission).

Conditions:
Hereditary breast ovarian cancer syndrome. Also called: BRCA1- and BRCA2-Associated Hereditary Breast and Ovarian Cancer; Hereditary breast and ovarian cancer; Hereditary breast and ovarian cancer syndrome (HBOC); Hereditary breast and/or ovarian cancer syndrome; Hereditary breast and ovarian cancer syndrome; Breast and ovarian cancer. Identifiers: Orphanet 145, MedGen C0677776, MeSH D061325, MONDO:0003582. Disease mechanism: loss of function.

Submission:

Genetics and Personalized Medicine Clinic, Tartu University Hospital
Classification: Likely pathogenic for Hereditary breast ovarian cancer syndrome. Last evaluated: 2023-01-01. Review status: criteria provided, single submitter. Criteria: ACMG Guidelines, 2015. Collection method: clinical testing. Allele origin: germline. Affected: yes. Observed: 1 variant allele.
Comment: This deletion causes a frameshift, predicted to result in premature truncation and nonsense-mediated decay. BRCA2 loss-of-function is a well-established mechanism for hereditary breast and ovarian cancer (PVS1).

NM_000059.4(BRCA2):c.6824_6825del (p.Glu2275fs)

Gene: BRCA2 (BRCA2 DNA repair associated; plus strand). Cytogenetic location: 13q13.1.
Variant type: Microsatellite.
Coding change: c.6824_6825del on transcript NM_000059.4 (MANE Select); coding-DNA positions 6824 to 6825, 2 bases deleted (AG; older notation c.6824_6825delAG).
Protein change: p.Glu2275fs; shifts the reading frame from glutamic acid 2275.
Molecular consequence: frameshift variant. On other transcripts: non-coding transcript variant (1), intron variant (2).
Genome position (GRCh38, 1-based): chr13:32,341,179-32,341,180, AG deleted; deleting any 2 consecutive bases within chr13:32,341,176-32,341,180 gives the same sequence; the c. name uses the placement nearest the transcript's 3' end. VCF-style (leftmost placement, unchanged base first): chr13-32341175-GGA-G. GRCh37 (hg19) VCF-style: chr13-32915312-GGA-G.
Other names: c.6824_6825del, p.Glu2275fs (NM_001406719.1, NM_001406720.1, NM_001432077.1); c.1910-3379_1910-3378del (NM_001406721.1); c.425-3379_425-3378del (NM_001406722.1); short protein forms E2275fs.
Identifiers: ClinVar variation 4082391 (VCV004082391.1).
Genomic context (GRCh38, chr13:32,341,175, plus strand): 5'-TTTACATGTCCCGAAAATGAGGAAATGGTTTTGTCAAATTCAAGAATTGGAAAAAGAAGA[GGA>G]GAGCCCCTTATCTTAGTGGGTAAGTGTTCATTTTTACCTTTCGTGTTGCCAATCACTATT-3'